The following is an entry in ClinVar:

ClinVar aggregate classification (germline): Pathogenic/Likely pathogenic. Review status: criteria provided, multiple submitters, no conflicts (2 of 4 stars). 2 submissions from 2 submitters: Pathogenic (1); Likely pathogenic (1). Last evaluated 2023-11-02.

Conditions:
Mega-corpus-callosum syndrome with cerebellar hypoplasia and cortical malformations. Identifiers: MedGen C4748927, MONDO:0032648, OMIM 618273.

Submissions (2):

GeneDx
Classification: Pathogenic. Last evaluated: 2023-11-02. Review status: criteria provided, single submitter. Criteria: GeneDx Variant Classification Process June 2021. Collection method: clinical testing. Allele origin: germline. Affected: yes.
Comment: In-frame deletion of 1 amino acids in a non-repeat region; In silico analysis supports a deleterious effect on protein structure/function; Not observed at significant frequency in large population cohorts (gnomAD); Has not been previously published as pathogenic or benign to our knowledge

Victorian Clinical Genetics Services, Murdoch Childrens Research Institute
Classification: Likely pathogenic for Mega-corpus-callosum syndrome with cerebellar hypoplasia and cortical malformations. Last evaluated: 2023-07-17. Review status: criteria provided, single submitter. Criteria: ACMG Guidelines, 2015. Collection method: clinical testing. Allele origin: germline. Inheritance: Autosomal dominant inheritance. Affected: yes.
Comment: Based on the classification scheme VCGS_Germline_v1.3.4, this variant is classified as Likely pathogenic. Following criteria are met: 0105 - The mechanism of disease for this gene is not clearly established. However, dominant-negative and gain of function have been suggested as mechanisms of disease (PMIDs: 30449657, 32198973). (I) 0107 - This gene is associated with autosomal dominant disease. (I) 0115 - Variants in this gene are known to have variable expressivity, relating to the presence of brain abnormalities on neurological imaging (PMID: 32198973). (I) 0213 - In-frame deletion in a non-repetitive region that has high conservation. (SP) 0251 - This variant is heterozygous. (I) 0301 - Variant is absent from gnomAD (both v2 and v3). (SP) 0600 - Variant is located in the annotated DUF1908 domain (DECIPHER). It is interesting to note that single amino acid in-frame deletions previously reported in affected individuals are in the same domain (PMID: 30449657). (I) 0705 - No comparable in-frame deletion variants have previous evidence for pathogenicity. (I) 0809 - Previous evidence of pathogenicity for this variant is inconclusive. This variant has been classified twice as a VUS; however, limited information has been provided (LOVD, DECIPHER). (I) 0905 - No published segregation evidence has been identified for this variant. (I) 1007 - No published functional evidence has been identified for this variant. (SP) Legend: (SP) - Supporting pathogenic, (I) - Information, (SB) - Supporting benign

Literature cited by the submitters: PubMed 30449657 (cited by Victorian Clinical Genetics Services, Murdoch Childrens Research Institute); PubMed 32198973 (cited by Victorian Clinical Genetics Services, Murdoch Childrens Research Institute).

NM_014975.3(MAST1):c.837TAT[1] (p.Ile282del)

Gene: MAST1 (microtubule associated serine/threonine kinase 1; plus strand). Cytogenetic location: 19p13.13.
Variant type: Microsatellite.
Coding change: c.837TAT[1] on transcript NM_014975.3 (MANE Select); one copy of the 3-base unit TAT starting at c.837; the reference has two copies in a row; one copy, 3 bases deleted; also written c.840_842del.
Protein change: p.Ile282del; deletes isoleucine 282.
Molecular consequence: inframe deletion.
Genome position (GRCh38, 1-based): chr19:12,851,999-12,852,001, TAT deleted; deleting any 3 consecutive bases within chr19:12,851,995-12,852,001 gives the same sequence; the position shown is the placement nearest the transcript's 3' end. VCF-style (leftmost placement, unchanged base first): chr19-12851994-CTTA-C. GRCh37 (hg19) VCF-style: chr19-12962808-CTTA-C.
Other names: c.840_842delTAT (NM_014975.2); c.840_842del (NM_014975.2); short protein forms I282del.
Identifiers: ClinVar variation 3254811 (VCV003254811.2), dbSNP rs2512526900.
Genomic context (GRCh38, chr19:12,851,994, plus strand): 5'-GCCTATGAACGCTCTGAGAGCTTGGAGGTGGCCTTCGTTACTCAGCTGGTGAAGAAGTTG[CTTA>C]TTATCATCTCACGCCCTGCGAGGCTGCTGGAGTGCCTGGTGAGGGGGCTGGGCATGGGTA-3'